The following is an entry in ClinVar:

NM_000631.5(NCF4):c.33-1G>A

Genes: NCF4 (neutrophil cytosolic factor 4; plus strand), NCF4-AS1 (NCF4 antisense RNA 1; minus strand). Cytogenetic location: 22q12.3.
Variant type: single nucleotide variant.
Coding change: c.33-1G>A on transcript NM_000631.5 (MANE Select); the canonical splice acceptor site of the intron before coding-DNA position 33, G replaced by A.
Molecular consequence: splice acceptor variant.
Genome position (GRCh38, 1-based): chr22:36,864,044, G>A. VCF-style: chr22-36864044-G-A. GRCh37 (hg19) VCF-style: chr22-37260086-G-A.
Other names: c.33-1G>A (NM_013416.4).
Identifiers: ClinVar variation 1192210 (VCV001192210.1), dbSNP rs2145702588, ClinGen allele CA411376246.

ClinVar aggregate classification (germline): Likely pathogenic (1 of 4 stars; one submission).

Conditions:
Chronic granulomatous disease. Identifiers: Orphanet 379, MedGen C0018203, MONDO:0018305.

Submission:

Women's Health and Genetics/Laboratory Corporation of America, LabCorp
Classification: Likely pathogenic for Chronic granulomatous disease. Last evaluated: 2021-07-19. Review status: criteria provided, single submitter. Criteria: LabCorp Variant Classification Summary - May 2015. Collection method: clinical testing. Allele origin: germline.
Comment: Variant summary: NCF4 c.33-1G>A is located in a canonical splice-site and is predicted to affect mRNA splicing resulting in a significantly altered protein due to either exon skipping, shortening, or inclusion of intronic material. Several computational tools predict a significant impact on normal splicing: Four predict the variant abolishes a 3' acceptor site. However, these predictions have yet to be confirmed by functional studies. The variant was absent in 251494 control chromosomes. c.33-1G>A has been reported in the literature in a cohort of healthy individuals (van Deuren_2021) but has not, to our knowledge been reported in individuals affected with Chronic Granulomatous Disease. These reports do not provide unequivocal conclusions about association of the variant with Chronic Granulomatous Disease. To our knowledge, no experimental evidence demonstrating an impact on protein function has been reported. No clinical diagnostic laboratories have submitted clinical-significance assessments for this variant to ClinVar after 2014. Based on the evidence outlined above, the variant was classified as likely pathogenic.

Literature cited by the submitters: PubMed 34034819.